The following is an entry in ClinVar:

ClinVar aggregate classification (germline): Pathogenic (1 of 4 stars; one submission).

Conditions:
Familial cancer of breast. Also called: Hereditary breast cancer; BREAST CANCER, FAMILIAL; hereditary breast carcinoma. Identifiers: Orphanet 227535, MedGen C0346153, MONDO:0016419, OMIM 114480. Disease mechanism: loss of function.

Submission:

Myriad Genetics, Inc.
Classification: Pathogenic for Familial cancer of breast. Last evaluated: 2023-06-05. Review status: criteria provided, single submitter. Criteria: Myriad Autosomal Dominant, Autosomal Recessive and X-Linked Classification Criteria (2023). Collection method: clinical testing. Allele origin: unknown.
Comment: This variant is considered pathogenic. This variant creates a frameshift predicted to result in premature protein truncation.

NM_032043.3(BRIP1):c.1686del (p.Ile562fs)

Gene: BRIP1 (BRCA1 interacting DNA helicase 1; minus strand). Cytogenetic location: 17q23.2.
Variant type: Deletion.
Coding change: c.1686del on transcript NM_032043.3 (MANE Select); coding-DNA position 1686, one base deleted (T; older notation c.1686delT).
Protein change: p.Ile562fs; shifts the reading frame from isoleucine 562.
Molecular consequence: frameshift variant.
Genome position (GRCh38, 1-based): chr17:61,780,948, A deleted on the plus strand (T on the coding strand, the reverse complement: BRIP1 is on the minus strand); the first of 2 consecutive A bases (chr17:61,780,948-61,780,949); deleting either gives the same sequence. VCF-style (leftmost placement, unchanged base first): chr17-61780947-CA-C. GRCh37 (hg19) VCF-style: chr17-59858308-CA-C.
Other names: short protein forms I562fs.
Identifiers: ClinVar variation 2583718 (VCV002583718.2), dbSNP rs2545030097, ClinGen allele CA2582342282.